The following is an entry in ClinVar:

NM_152564.5(VPS13B):c.3453T>C (p.Ala1151=)

Gene: VPS13B (vacuolar protein sorting 13 homolog B; plus strand). Cytogenetic location: 8q22.2.
Variant type: single nucleotide variant.
Coding change: c.3453T>C on transcript NM_152564.5 (MANE Select); coding-DNA position 3453, T replaced by C.
Protein change: p.Ala1151=; no amino-acid change (alanine 1151 retained).
Molecular consequence: synonymous variant.
Genome position (GRCh38, 1-based): chr8:99,467,421, T>C. VCF-style: chr8-99467421-T-C. GRCh37 (hg19) VCF-style: chr8-100479649-T-C.
Other names: c.3453T>C, p.Ala1151= (NM_017890.5); c.3453T>C (NM_152564.4).
Identifiers: ClinVar variation 1127230 (VCV001127230.10), dbSNP rs1014978049, ClinGen allele CA182973451.
Genomic context (GRCh38, chr8:99,467,421, plus strand): 5'-TAATTGTCTTTTTGTTTGTGTGCTTCCCTATTCCCTTTTATCCCCTATATCAGGTGATGC[T>C]TTTCCTTGGACGATCAGCTTGCATAATTTCAGCATATATACCCTTCTTGGAAAACAAGTG-3'
Protein context (NP_689777.3, residues 1141-1161): IPRPILEEGD[Ala1151=]FPWTISLHNF

ClinVar aggregate classification (germline): Likely benign. Review status: criteria provided, single submitter (1 of 4 stars). 2 submissions from 2 submitters: Likely benign (1). 1 of the submissions does not count toward it. Last evaluated 2025-03-18.

Conditions:
VPS13B-related disorder. Also called: VPS13B-related condition.
Cohen syndrome (COH1). Also called: Cutis verticis gyrata, retinitis pigmentosa, and sensorineural deafness; PEPPER SYNDROME. Identifiers: Orphanet 193, MedGen C0265223, MONDO:0008999, OMIM 216550.

Allele frequency attached by ClinVar (database versions not stated): gnomAD exomes below 0.00001 and 0.00001; TOPMed below 0.00001.
gnomAD v4.1: 2 of 1,613,678 alleles (0.00012%); highest among the groups gnomAD compares: Admixed American, 0.0033%; no homozygotes.

Submissions (2):

Labcorp Genetics (formerly Invitae), Labcorp
Classification: Likely benign for Cohen syndrome. Last evaluated: 2025-03-18. Review status: criteria provided, single submitter. Criteria: Invitae Variant Classification Sherloc (09022015). Collection method: clinical testing. Allele origin: germline.

PreventionGenetics, part of Exact Sciences
Classification: Likely benign for VPS13B-related condition. Last evaluated: 2024-02-08. Review status: no assertion criteria provided. Collection method: clinical testing. Allele origin: germline. Not counted in ClinVar's aggregate classification.
Comment: This variant is classified as likely benign based on ACMG/AMP sequence variant interpretation guidelines (Richards et al. 2015 PMID: 25741868, with internal and published modifications).